The following is an entry in ClinVar:

NM_018975.4(TERF2IP):c.316G>A (p.Ala106Thr)

Gene: TERF2IP (TERF2 interacting protein; plus strand). Cytogenetic location: 16q23.1.
Variant type: single nucleotide variant.
Coding change: c.316G>A on transcript NM_018975.4 (MANE Select); coding-DNA position 316, G replaced by A.
Protein change: p.Ala106Thr; replaces alanine 106 with threonine.
Molecular consequence: missense variant. On other transcripts: non-coding transcript variant (1).
Genome position (GRCh38, 1-based): chr16:75,648,198, G>A. VCF-style: chr16-75648198-G-A. GRCh37 (hg19) VCF-style: chr16-75682096-G-A.
Other names: short protein forms A106T.
Identifiers: ClinVar variation 3325433 (VCV003325433.1).

ClinVar aggregate classification (germline): Uncertain significance (1 of 4 stars; one submission).

Submission:

Ambry Genetics
Classification: Uncertain significance. Last evaluated: 2024-06-12. Review status: criteria provided, single submitter. Criteria: Ambry Variant Classification Scheme 2023. Collection method: clinical testing. Allele origin: germline.
Comment: The p.A106T variant (also known as c.316G>A), located in coding exon 1 of the TERF2IP gene, results from a G to A substitution at nucleotide position 316. The alanine at codon 106 is replaced by threonine, an amino acid with similar properties. This amino acid position is conserved. In addition, this alteration is predicted to be tolerated by in silico analysis. Based on the available evidence, the clinical significance of this variant remains unclear.